The following is an entry in ClinVar:

ClinVar aggregate classification (germline): Uncertain significance. Review status: reviewed by expert panel (3 of 4 stars). 6 submissions from 6 submitters: Uncertain significance (1). 5 of the submissions do not count toward it. Last evaluated 2020-10-15.

Conditions:
PAH-related disorder. Also called: PAH-related condition.
Phenylketonuria (PKU). Also called: OLIGOPHRENIA PHENYLPYRUVICA; Phenylketonurias; Phenylketonuria (PKU); FOLLING DISEASE. Identifiers: Orphanet 716, MedGen C0031485, MONDO:0009861, OMIM 261600. Disease mechanism: loss of function.

Allele frequency attached by ClinVar (database versions not stated): ExAC 0.00007; gnomAD exomes 0.00012 and 0.00004; gnomAD 0.00013 and 0.00010; TOPMed 0.00014; 1000 Genomes Project 30x 0.00078; 1000 Genomes Project 0.00100.
gnomAD v4.1: 89 of 1,614,114 alleles (0.0055%); highest among the groups gnomAD compares: East Asian, 0.12%; no homozygotes.

Submissions (6):

ClinGen PAH Variant Curation Expert Panel
Classification: Uncertain significance for Phenylketonuria. Last evaluated: 2020-10-15. Review status: reviewed by expert panel. Criteria: ClinGen PAH ACMG Specifications v1. Collection method: curation. Allele origin: germline. Inheritance: Autosomal recessive inheritance.
Comment: This c.280A>G (p.Ile94Val) variant in PAH was reported in at least three patients with PAH deficiency. BH4 deficiency was ruled out through a BH4 loading test, a urinary pterin analysis, and a DHPR activity assay in at least one case (PMID: 30747360, 30459323, and 28982351). This variant is present in the East Asian at a frequency of 0.00160, higher than the PAH Variant Curation Expert Panel cutoff of 0.0002. Computational evidence is conflicting in the predicted effect of this variant. In summary, this variant meets criteria to be classified as uncertain significance for PAH. PAH-specific ACMG/AMP criteria applied: PP4_moderate.

Women's Health and Genetics/Laboratory Corporation of America, LabCorp
Classification: Uncertain significance. Last evaluated: 2024-09-09. Review status: criteria provided, single submitter. Criteria: LabCorp Variant Classification Summary - May 2015. Collection method: clinical testing. Allele origin: germline. Not counted in ClinVar's aggregate classification.
Comment: Variant summary: PAH c.280A>G (p.Ile94Val) results in a conservative amino acid change located in the ACT domain (IPR002912) of the encoded protein sequence. Three of five in-silico tools predict a benign effect of the variant on protein function. The variant allele was found at a frequency of 0.00012 in 251440 control chromosomes (gnomAD). This frequency is not significantly higher than estimated for a pathogenic variant in PAH causing Phenylalanine Hydroxylase Deficiency (Phenylketonuria) (0.00012 vs 0.0079), allowing no conclusion about variant significance. c.280A>G has been reported in the literature in individuals affected with Phenylalanine Hydroxylase Deficiency (Phenylketonuria) (example, PMID: 30459323, 28982351, 30747360, 38105685). These data, however do not allow any conclusion about variant significance. To our knowledge, no experimental evidence demonstrating an impact on protein function has been reported. The following publications have been ascertained in the context of this evaluation (PMID: 28982351, 30747360, 30459323, 35339094, 32668217, 34426522, 38105685). ClinVar contains an entry for this variant (Variation ID: 883981). Based on the evidence outlined above, the variant was classified as uncertain significance.

Labcorp Genetics (formerly Invitae), Labcorp
Classification: Uncertain significance for Phenylketonuria. Last evaluated: 2022-07-05. Review status: criteria provided, single submitter. Criteria: Invitae Variant Classification Sherloc (09022015). Collection method: clinical testing. Allele origin: germline. Not counted in ClinVar's aggregate classification.
Comment: This sequence change replaces isoleucine, which is neutral and non-polar, with valine, which is neutral and non-polar, at codon 94 of the PAH protein (p.Ile94Val). This variant is present in population databases (rs528078207, gnomAD 0.2%). This missense change has been observed in individual(s) with clinical features of hyperphenylalaninemia (PMID: 28982351). ClinVar contains an entry for this variant (Variation ID: 883981). Algorithms developed to predict the effect of missense changes on protein structure and function (SIFT, PolyPhen-2, Align-GVGD) all suggest that this variant is likely to be tolerated. In summary, the available evidence is currently insufficient to determine the role of this variant in disease. Therefore, it has been classified as a Variant of Uncertain Significance.

Fulgent Genetics
Classification: Uncertain significance for Phenylketonuria. Last evaluated: 2022-02-03. Review status: criteria provided, single submitter. Criteria: ACMG Guidelines, 2015. Collection method: clinical testing. Allele origin: unknown. Not counted in ClinVar's aggregate classification.

Illumina Laboratory Services, Illumina
Classification: Uncertain significance for Phenylketonuria. Last evaluated: 2017-04-27. Review status: criteria provided, single submitter. Criteria: ICSL Variant Classification Criteria 13 December 2019. Collection method: clinical testing. Allele origin: germline. Not counted in ClinVar's aggregate classification.

PreventionGenetics, part of Exact Sciences
Classification: Uncertain significance for PAH-related condition. Last evaluated: 2024-07-05. Review status: no assertion criteria provided. Collection method: clinical testing. Allele origin: germline. Not counted in ClinVar's aggregate classification.
Comment: The PAH c.280A>G variant is predicted to result in the amino acid substitution p.Ile94Val. This variant has been reported in individuals with phenylketonuria or mild hyperphenylalaninemia (Liu et al. 2017. PubMed ID: 28982351; Chen et al. 2018. PubMed ID: 30459323; Yan et al. 2019. PubMed ID: 30747360), and a different amino acid change (p.Ile94Ser) was reported in an individual with phenylketonuria (Guldberg et al. 1998. PubMed ID: 9634518). This variant is reported in 0.16% of alleles in individuals of East Asian descent in gnomAD. This variant was curated by the ClinVar expert PAH panel to be of uncertain significance due to both conflicting computational predictions regarding its pathogenicity and to the fact that its population minor allele frequency is higher than the established pathogenicity cutoff of 0.02% (Zastrow et al. 2018. PubMed ID: 30311390). At this time, the clinical significance of this variant is uncertain due to the absence of conclusive functional and genetic evidence.

Literature cited by the submitters: PubMed 30459323 (cited by ClinGen PAH Variant Curation Expert Panel and Women's Health and Genetics/Laboratory Corporation of America, LabCorp); PubMed 28982351 (cited by 3 submitters); PubMed 30747360 (cited by Women's Health and Genetics/Laboratory Corporation of America, LabCorp); PubMed 32668217 (cited by Women's Health and Genetics/Laboratory Corporation of America, LabCorp); PubMed 34426522 (cited by Women's Health and Genetics/Laboratory Corporation of America, LabCorp); PubMed 35339094 (cited by Women's Health and Genetics/Laboratory Corporation of America, LabCorp); PubMed 38105685 (cited by Women's Health and Genetics/Laboratory Corporation of America, LabCorp); PubMed 36574877 (cited by Women's Health and Genetics/Laboratory Corporation of America, LabCorp).

NM_000277.3(PAH):c.280A>G (p.Ile94Val)

Gene: PAH (phenylalanine hydroxylase; minus strand). Cytogenetic location: 12q23.2.
Variant type: single nucleotide variant.
Coding change: c.280A>G on transcript NM_000277.3 (MANE Select); coding-DNA position 280, A replaced by G.
Protein change: p.Ile94Val; replaces isoleucine 94 with valine.
Molecular consequence: missense variant.
Genome position (GRCh38, 1-based): chr12:102,894,807, T>C on the plus strand (A>G on the coding strand, the complement: PAH is on the minus strand). VCF-style: chr12-102894807-T-C. GRCh37 (hg19) VCF-style: chr12-103288585-T-C.
Other names: c.280A>G, p.Ile94Val (NM_001354304.2); short protein forms I94V.
Identifiers: ClinVar variation 883981 (VCV000883981.10), dbSNP rs528078207, ClinGen allele CA6748988.
Genomic context (GRCh38, chr12:102,894,807, plus strand): 5'-TCTTATCTCGTGAAAGCTCATGGACAGTGGCACCAATGTCATGCCTCAAGATCTTGATGA[T>C]GTTTGTCAGAGCAGGCAGGCTACGTTTATCCAAATGGGTGAAAAATTCATACTCATCTTT-3'
Protein context (NP_000268.1, residues 84-104): DKRSLPALTN[Ile94Val]IKILRHDIGA